The following is an entry in ClinVar:

NM_031263.4(HNRNPK):c.79A>C (p.Met27Leu)

Gene: HNRNPK (heterogeneous nuclear ribonucleoprotein K; minus strand). Cytogenetic location: 9q21.32.
Variant type: single nucleotide variant.
Coding change: c.79A>C on transcript NM_031263.4 (MANE Select); coding-DNA position 79, A replaced by C.
Protein change: p.Met27Leu; replaces methionine 27 with leucine.
Molecular consequence: missense variant.
Genome position (GRCh38, 1-based): chr9:83,977,766, T>G on the plus strand (A>C on the coding strand, the complement: HNRNPK is on the minus strand). VCF-style: chr9-83977766-T-G. GRCh37 (hg19) VCF-style: chr9-86592681-T-G.
Other names: c.79A>C, p.Met27Leu (NM_001318186.2, NM_001318187.2, NM_001318188.2 and 2 more transcripts); c.79A>C (NM_002140.3); short protein forms M27L.
Identifiers: ClinVar variation 1695252 (VCV001695252.32), dbSNP rs2133062833, ClinGen allele CA373932208.

ClinVar aggregate classification (germline): Uncertain significance. Review status: criteria provided, multiple submitters, no conflicts (2 of 4 stars). 3 submissions from 3 submitters: Uncertain significance (3). Last evaluated 2025-12-02.

Conditions:
Inborn genetic diseases. Identifiers: MedGen C0950123, MeSH D030342.

Submissions (3):

Ambry Genetics
Classification: Uncertain significance for Inborn genetic diseases. Last evaluated: 2025-12-02. Review status: criteria provided, single submitter. Criteria: Ambry Variant Classification Scheme 2023. Collection method: clinical testing. Allele origin: germline.

Blueprint Genetics
Classification: Uncertain significance. Last evaluated: 2024-04-29. Review status: criteria provided, single submitter. Criteria: ACMG Guidelines, 2015. Collection method: clinical testing. Allele origin: germline.

CeGaT Center for Human Genetics Tuebingen
Classification: Uncertain significance. Last evaluated: 2022-05-01. Review status: criteria provided, single submitter. Criteria: CeGaT Center For Human Genetics Tuebingen Variant Classification Criteria Version 2. Collection method: clinical testing. Allele origin: germline. Affected: yes. Observed: 1 variant allele.
Comment: HNRNPK: PM2, PP2